The following is an entry in ClinVar:

NM_201269.3(ZNF644):c.3884G>A (p.Arg1295Gln)

Gene: ZNF644 (zinc finger protein 644; minus strand). Cytogenetic location: 1p22.2.
Variant type: single nucleotide variant.
Coding change: c.3884G>A on transcript NM_201269.3 (MANE Select); coding-DNA position 3884, G replaced by A.
Protein change: p.Arg1295Gln; replaces arginine 1295 with glutamine.
Molecular consequence: missense variant.
Genome position (GRCh38, 1-based): chr1:90,916,898, C>T on the plus strand (G>A on the coding strand, the complement: ZNF644 is on the minus strand). VCF-style: chr1-90916898-C-T. GRCh37 (hg19) VCF-style: chr1-91382455-C-T.
Other names: c.218G>A, p.Arg73Gln (NM_016620.4, NM_032186.5); short protein forms R1295Q, R73Q.
Identifiers: ClinVar variation 3035474 (VCV003035474.2), dbSNP rs142786693, ClinGen allele CA944715.

ClinVar aggregate classification (germline): Benign (0 of 4 stars; one submission).

Conditions:
ZNF644-related disorder. Also called: ZNF644-related condition.

Allele frequency attached by ClinVar (database versions not stated): gnomAD exomes 0.00036; ESP Exome Variant Server 0.00046; ExAC 0.00050; gnomAD 0.00051.
gnomAD v4.1: 645 of 1,614,134 alleles (0.04%); highest among the groups gnomAD compares: Non-Finnish European, 0.007%; 5 homozygotes.

Submission:

PreventionGenetics, part of Exact Sciences
Classification: Benign for ZNF644-related condition. Last evaluated: 2019-07-31. Review status: no assertion criteria provided. Collection method: clinical testing. Allele origin: germline.
Comment: This variant is classified as benign based on ACMG/AMP sequence variant interpretation guidelines (Richards et al. 2015 PMID: 25741868, with internal and published modifications).